The following is an entry in ClinVar:

ClinVar aggregate classification (germline): Benign/Likely benign. Review status: criteria provided, multiple submitters, no conflicts (2 of 4 stars). 4 submissions from 4 submitters: Benign (1); Likely benign (2). 1 of the submissions does not count toward it. Last evaluated 2026-09-01.

Conditions:
CDKN1C-related disorder. Also called: CDKN1C-related condition.
Beckwith-Wiedemann syndrome (BWS). Also called: EMG SYNDROME; Exomphalos macroglossia gigantism syndrome. Identifiers: Orphanet 116, MedGen C0004903, MONDO:0007534, OMIM 130650.

Submissions (4):

CeGaT Center for Human Genetics Tuebingen
Classification: Likely benign. Last evaluated: 2026-09-01. Review status: criteria provided, single submitter. Criteria: CeGaT Center For Human Genetics Tuebingen Variant Classification Criteria Version 2. Collection method: clinical testing. Allele origin: germline. Affected: yes. Observed: 2 variant alleles.
Comment: CDKN1C: BP3

Labcorp Genetics (formerly Invitae), Labcorp
Classification: Benign for Beckwith-Wiedemann syndrome. Last evaluated: 2025-10-01. Review status: criteria provided, single submitter. Criteria: Invitae Variant Classification Sherloc (09022015). Collection method: clinical testing. Allele origin: germline.

GeneDx
Classification: Likely benign. Last evaluated: 2017-05-23. Review status: criteria provided, single submitter. Criteria: GeneDx Variant Classification (06012015). Collection method: clinical testing. Allele origin: germline. Affected: yes.
Comment: This variant is considered likely benign or benign based on one or more of the following criteria: it is a conservative change, it occurs at a poorly conserved position in the protein, it is predicted to be benign by multiple in silico algorithms, and/or has population frequency not consistent with disease.

PreventionGenetics, part of Exact Sciences
Classification: Likely benign for CDKN1C-related condition. Last evaluated: 2024-03-04. Review status: no assertion criteria provided. Collection method: clinical testing. Allele origin: germline. Not counted in ClinVar's aggregate classification.
Comment: This variant is classified as likely benign based on ACMG/AMP sequence variant interpretation guidelines (Richards et al. 2015 PMID: 25741868, with internal and published modifications).

NM_001122630.2(CDKN1C):c.504CCCGGC[2] (p.168AP[7])

Gene: CDKN1C (cyclin dependent kinase inhibitor 1C; minus strand). Cytogenetic location: 11p15.4.
Variant type: Microsatellite.
Coding change: c.504CCCGGC[2] on transcript NM_001122630.2 (MANE Select); two copies in a row of the 6-base unit CCCGGC starting at c.504; the reference has three copies in a row; one copy, 6 bases deleted.
Protein change: p.168AP[7].
Molecular consequence: inframe deletion. On other transcripts: intron variant (1).
Genome position (GRCh38, 1-based): chr11:2,884,936-2,884,941, GCCGGG deleted on the plus strand (CCCGGC on the coding strand, the reverse complement: CDKN1C is on the minus strand); deleting any 6 consecutive bases within chr11:2,884,936-2,884,956 gives the same sequence; the position shown is the placement nearest the transcript's 3' end. VCF-style (leftmost placement, unchanged base first): chr11-2884935-AGCCGGG-A. GRCh37 (hg19) VCF-style: chr11-2906165-AGCCGGG-A.
Other names: c.537CCCGGC[2], p.179AP[7] (NM_000076.2, NM_001362474.2); c.504CCCGGC[2], p.168AP[7] (NM_001122631.2); c.255+249CCCGGC[2] (NM_001362475.2); c.549_554delCCCGGC (NM_000076.2); c.549_554del (NM_000076.2); c.549_554del6 (NM_000076.2).
Identifiers: ClinVar variation 412857 (VCV000412857.34), dbSNP rs878853629, ClinGen allele CA16613543.